The following is an entry in ClinVar:

NM_000531.6(OTC):c.545A>T (p.His182Leu)

Gene: OTC (ornithine transcarbamylase; plus strand). Cytogenetic location: Xp11.4.
Variant type: single nucleotide variant.
Coding change: c.545A>T on transcript NM_000531.6 (MANE Select); coding-DNA position 545, A replaced by T.
Protein change: p.His182Leu; replaces histidine 182 with leucine.
Molecular consequence: missense variant.
Genome position (GRCh38, 1-based): chrX:38,403,622, A>T. VCF-style: chrX-38403622-A-T. GRCh37 (hg19) VCF-style: chrX-38262875-A-T.
Other names: short protein forms H182L.
Identifiers: ClinVar variation 97245 (VCV000097245.2), dbSNP rs72556291, ClinGen allele CA224677.

ClinVar aggregate classification (germline): Pathogenic (0 of 4 stars; one submission).

Submission:

GenMed Metabolism Lab
Classification: Pathogenic. Review status: no assertion criteria provided. Collection method: not provided. Allele origin: unknown.
Comment: p.His182Leu, Neonatal
ClinVar note: Converted during submission from pathogenic to Pathogenic.